The following is an entry in ClinVar:

NM_000384.3(APOB):c.6765G>A (p.Lys2255=)

Gene: APOB (apolipoprotein B; minus strand). Cytogenetic location: 2p24.1.
Variant type: single nucleotide variant.
Coding change: c.6765G>A on transcript NM_000384.3 (MANE Select); coding-DNA position 6765, G replaced by A.
Protein change: p.Lys2255=; no amino-acid change (lysine 2255 retained).
Molecular consequence: synonymous variant.
Genome position (GRCh38, 1-based): chr2:21,010,103, C>T on the plus strand (G>A on the coding strand, the complement: APOB is on the minus strand). VCF-style: chr2-21010103-C-T. GRCh37 (hg19) VCF-style: chr2-21232975-C-T.
Identifiers: ClinVar variation 477815 (VCV000477815.49), dbSNP rs372343882, ClinGen allele CA063496.
Genomic context (GRCh38, chr2:21,010,103, plus strand): 5'-ATTCTGTATGTGTCTCTTAAGCTGCTGCAGTTTTTCTTGTATCTGGATTCTGATTTGGTA[C>T]TTAGTATCCACATTTTGAATCCAGGATGCAGTACTACTTCCACTTTTGTTAAAATCAATA-3'
Protein context (NP_000375.3, residues 2245-2265): TASWIQNVDT[Lys2255=]YQIRIQIQEK

ClinVar aggregate classification (germline): Conflicting classifications of pathogenicity. Review status: criteria provided, conflicting classifications (1 of 4 stars). 9 submissions from 8 submitters: Uncertain significance (1); Benign (3); Likely benign (5). Last evaluated 2026-03-02.

Conditions:
Cardiovascular phenotype. Identifiers: MedGen CN230736.
Familial hypercholesterolemia. Also called: Familial hypercholesterolaemia; Familial hypercholesterolemias. Identifiers: MedGen C0020445, MONDO:0005439.
Hypercholesterolemia, autosomal dominant, type B (FHCL2). Also called: APOB-Related Familial Hypercholesterolemia, Autosomal Dominant; Familial Hypercholesterolemia Type B; Familial hypercholesterolemia 2; Hyperlipoproteinemia Type IIb; APOLIPOPROTEIN B-100, FAMILIAL DEFECTIVE; APOLIPOPROTEIN B-100, FAMILIAL LIGAND-DEFECTIVE. Identifiers: MedGen C1704417, MONDO:0007751, OMIM 144010.
Familial hypobetalipoproteinemia 1. Also called: APOB-Related Familial Hypobetalipoproteinemia; Hypobetalipoproteinemia, normotriglyceridemic; Acanthocytosis with hypobetalipoproteinemia. Identifiers: MedGen C4551990, MONDO:0014252, OMIM 615558.

Allele frequency attached by ClinVar (database versions not stated): ESP Exome Variant Server 0.00008; gnomAD 0.00029 and below 0.00001; gnomAD exomes 0.00053 and 0.00108; TOPMed 0.00004; ExAC 0.00141; 1000 Genomes Project 30x 0.00156; 1000 Genomes Project 0.00180.
gnomAD v4.1: 809 of 1,612,860 alleles (0.05%); highest among the groups gnomAD compares: South Asian, 0.83%; 12 homozygotes.

Submissions (9):

Women's Health and Genetics/Laboratory Corporation of America, LabCorp
Classification: Likely benign. Last evaluated: 2026-03-02. Review status: criteria provided, single submitter. Criteria: LabCorp Variant Classification Summary - May 2015. Collection method: clinical testing. Allele origin: germline.

Labcorp Genetics (formerly Invitae), Labcorp
Classification: Benign for Familial hypobetalipoproteinemia 1; Hypercholesterolemia, autosomal dominant, type B. Last evaluated: 2026-01-13. Review status: criteria provided, single submitter. Criteria: Invitae Variant Classification Sherloc (09022015). Collection method: clinical testing. Allele origin: germline.

Blueprint Genetics
Classification: Likely benign. Last evaluated: 2024-10-10. Review status: criteria provided, single submitter. Criteria: ACMG Guidelines, 2015. Collection method: clinical testing. Allele origin: germline.

GENinCode PLC
Classification: Benign for Familial hypercholesterolemia. Last evaluated: 2024-03-15. Review status: criteria provided, single submitter. Criteria: ACMG Guidelines, 2015. Collection method: clinical testing. Allele origin: germline.

Quest Diagnostics Nichols Institute San Juan Capistrano
Classification: Benign. Last evaluated: 2023-04-25. Review status: criteria provided, single submitter. Criteria: Quest Diagnostics criteria. Collection method: clinical testing. Allele origin: unknown.

CeGaT Center for Human Genetics Tuebingen
Classification: Likely benign. Last evaluated: 2022-06-01. Review status: criteria provided, single submitter. Criteria: CeGaT Center For Human Genetics Tuebingen Variant Classification Criteria Version 2. Collection method: clinical testing. Allele origin: germline. Affected: yes. Observed: 1 variant allele.
Comment: APOB: BP4, BP7

Illumina Laboratory Services, Illumina
Classification: Uncertain significance for Familial hypobetalipoproteinemia 1. Last evaluated: 2018-01-13. Review status: criteria provided, single submitter. Criteria: ICSL Variant Classification Criteria 13 December 2019. Collection method: clinical testing. Allele origin: germline.

Illumina Laboratory Services, Illumina
Classification: Likely benign for Hypercholesterolemia, autosomal dominant, type B. Last evaluated: 2018-01-13. Review status: criteria provided, single submitter. Criteria: ICSL Variant Classification Criteria 13 December 2019. Collection method: clinical testing. Allele origin: germline.
Comment: This variant was observed in the ICSL laboratory as part of a predisposition screen in an ostensibly healthy population. It had not been previously curated by ICSL or reported in the Human Gene Mutation Database (HGMD: prior to June 1st, 2018), and was therefore a candidate for classification through an automated scoring system. Utilizing variant allele frequency, disease prevalence and penetrance estimates, and inheritance mode, an automated score was calculated to assess if this variant is too frequent to cause the disease. Based on the score and internal cut-off values, a variant classified as likely benign is not then subjected to further curation. The score for this variant resulted in a classification of likely benign for this disease.

Ambry Genetics
Classification: Likely benign for Cardiovascular phenotype. Last evaluated: 2017-06-09. Review status: criteria provided, single submitter. Criteria: Ambry Variant Classification Scheme 2023. Collection method: clinical testing. Allele origin: germline.